The following is an entry in ClinVar:

NM_001211.6(BUB1B):c.1897T>C (p.Ser633Pro)

Gene: BUB1B (BUB1 mitotic checkpoint serine/threonine kinase B; plus strand). Cytogenetic location: 15q15.1.
Variant type: single nucleotide variant.
Coding change: c.1897T>C on transcript NM_001211.6 (MANE Select); coding-DNA position 1897, T replaced by C.
Protein change: p.Ser633Pro; replaces serine 633 with proline.
Molecular consequence: missense variant.
Genome position (GRCh38, 1-based): chr15:40,206,346, T>C. VCF-style: chr15-40206346-T-C. GRCh37 (hg19) VCF-style: chr15-40498547-T-C.
Other names: short protein forms S633P.
Identifiers: ClinVar variation 4216962 (VCV004216962.1).

ClinVar aggregate classification (germline): Uncertain significance (1 of 4 stars; one submission).

Conditions:
Inborn genetic diseases. Identifiers: MedGen C0950123, MeSH D030342.

Submission:

Ambry Genetics
Classification: Uncertain significance for Inborn genetic diseases. Last evaluated: 2025-08-12. Review status: criteria provided, single submitter. Criteria: Ambry Variant Classification Scheme 2023. Collection method: clinical testing. Allele origin: germline.
Comment: The p.S633P variant (also known as c.1897T>C), located in coding exon 15 of the BUB1B gene, results from a T to C substitution at nucleotide position 1897. The serine at codon 633 is replaced by proline, an amino acid with similar properties. This amino acid position is conserved. In addition, this alteration is predicted to be tolerated by in silico analysis. Based on the available evidence, the clinical significance of this variant remains unclear.